The following is an entry in ClinVar:

ClinVar aggregate classification (germline): Pathogenic (1 of 4 stars; one submission).

Conditions:
Nemaline myopathy 10 (NEM10). Identifiers: MedGen C4015360, MONDO:0014513, OMIM 616165.

Submission:

Labcorp Genetics (formerly Invitae), Labcorp
Classification: Pathogenic for Nemaline myopathy 10. Last evaluated: 2023-05-15. Review status: criteria provided, single submitter. Criteria: Invitae Variant Classification Sherloc (09022015). Collection method: clinical testing. Allele origin: germline.
Comment: For these reasons, this variant has been classified as Pathogenic. This variant disrupts a region of the LMOD3 protein in which other variant(s) (p.Leu550Phe) have been determined to be pathogenic (Invitae). This suggests that this is a clinically significant region of the protein, and that variants that disrupt it are likely to be disease-causing. ClinVar contains an entry for this variant (Variation ID: 1395938). This variant has not been reported in the literature in individuals affected with LMOD3-related conditions. This variant is not present in population databases (gnomAD no frequency). This sequence change creates a premature translational stop signal (p.Arg492Glufs*60) in the LMOD3 gene. While this is not anticipated to result in nonsense mediated decay, it is expected to disrupt the last 69 amino acid(s) of the LMOD3 protein.

NM_198271.5(LMOD3):c.1472dup (p.Arg492fs)

Gene: LMOD3 (leiomodin 3; minus strand). Cytogenetic location: 3p14.1.
Variant type: Duplication.
Coding change: c.1472dup on transcript NM_198271.5 (MANE Select); coding-DNA position 1472, one base duplicated (A; older notation c.1472dupA).
Protein change: p.Arg492fs; shifts the reading frame from arginine 492.
Molecular consequence: frameshift variant.
Genome position (GRCh38, 1-based): chr3:69,118,883, T duplicated on the plus strand (A on the coding strand, the reverse complement: LMOD3 is on the minus strand); the first of 2 consecutive T bases (chr3:69,118,883-69,118,884); duplicating either gives the same sequence. VCF-style (leftmost placement, unchanged base first): chr3-69118882-C-CT. GRCh37 (hg19) VCF-style: chr3-69168033-C-CT.
Other names: c.1472dup, p.Arg492fs (NM_001304418.3); short protein forms R492fs.
Identifiers: ClinVar variation 1395938 (VCV001395938.6), dbSNP rs2107525795, ClinGen allele CA2573137453.